The following is an entry in ClinVar:

ClinVar aggregate classification (germline): Uncertain significance (1 of 4 stars; one submission).

Conditions:
Autosomal recessive limb-girdle muscular dystrophy type R18 (LGMDR18). Also called: MUSCULAR DYSTROPHY, LIMB-GIRDLE, AUTOSOMAL RECESSIVE 18; Autosomal recessive limb-girdle muscular dystrophy type 2S; Limb-girdle muscular dystrophy, type 2S. Identifiers: Orphanet 369840, MedGen C4517996, MONDO:0014144, OMIM 615356.

Allele frequency attached by ClinVar (database versions not stated): TOPMed below 0.00001.

Submission:

Dubai Health Genomic Medicine Center, Dubai Health
Classification: Uncertain significance for Autosomal recessive limb-girdle muscular dystrophy type R18. Last evaluated: 2020-08-04. Review status: criteria provided, single submitter. Criteria: ACMG Guidelines, 2015. Collection method: clinical testing. Allele origin: germline. Affected: yes.
Comment: The p. Lys54Arg missense variant in TRAPPC11 has not been previously reported in individuals with disease and was absent from large population studies such as the Genome Aggregation Database (gnomAD) and the Greater Middle East (GME) Variome Database. Computational prediction tools and conservation analysis suggest an impact to protein function though this information is not predictive enough to confirm pathogenicity. In summary more information is needed to determine the clinical significance of this variant.

NM_021942.6(TRAPPC11):c.161A>G (p.Lys54Arg)

Gene: TRAPPC11 (trafficking protein particle complex subunit 11; plus strand). Cytogenetic location: 4q35.1.
Variant type: single nucleotide variant.
Coding change: c.161A>G on transcript NM_021942.6 (MANE Select); coding-DNA position 161, A replaced by G.
Protein change: p.Lys54Arg; replaces lysine 54 with arginine.
Molecular consequence: missense variant.
Genome position (GRCh38, 1-based): chr4:183,664,028, A>G. VCF-style: chr4-183664028-A-G. GRCh37 (hg19) VCF-style: chr4-184585181-A-G.
Other names: c.161A>G, p.Lys54Arg (NM_199053.3); short protein forms K54R.
Identifiers: ClinVar variation 1301766 (VCV001301766.2), dbSNP rs1734710360, ClinGen allele CA358858567.